The following is an entry in ClinVar:

ClinVar aggregate classification (germline): Uncertain significance (1 of 4 stars; one submission).

Conditions:
Joubert syndrome 20 (JBTS20). Identifiers: Orphanet 475, MedGen C3554235, MONDO:0013994, OMIM 614970.
Meckel syndrome, type 11 (MKS11). Identifiers: Orphanet 564, MedGen C3809352, MONDO:0014164, OMIM 615397.

Submission:

Labcorp Genetics (formerly Invitae), Labcorp
Classification: Uncertain significance for Joubert syndrome 20; Meckel syndrome, type 11. Last evaluated: 2022-05-29. Review status: criteria provided, single submitter. Criteria: Invitae Variant Classification Sherloc (09022015). Collection method: clinical testing. Allele origin: germline.
Comment: This variant results in a copy number gain of the genomic region encompassing exon(s) 1 of the TMEM231 gene. This region includes the initiator codon of the gene. This copy number gain extends beyond the assayed region for this gene and therefore may encompass additional genes. As the precise location of this event is unknown, it may be in tandem or it may be located elsewhere in the genome. This variant has not been reported in the literature in individuals affected with TMEM231-related conditions. In summary, the available evidence is currently insufficient to determine the role of this variant in disease. Therefore, it has been classified as a Variant of Uncertain Significance.

NC_000016.9:g.(?_75589682)_(75690509_?)dup

Genes: ADAT1 (adenosine deaminase tRNA specific 1; minus strand), TERF2IP (TERF2 interacting protein; plus strand), GABARAPL2 (GABA type A receptor associated protein like 2; plus strand), KARS1 (lysyl-tRNA synthetase 1; minus strand), TMEM231 (transmembrane protein 231; minus strand). Cytogenetic location: 16q23.1.
Variant type: Duplication.
Identifiers: ClinVar variation 2423618 (VCV002423618.3).